The following is an entry in ClinVar:

NM_001330574.2(ZNF711):c.466A>G (p.Thr156Ala)

Gene: ZNF711 (zinc finger protein 711; plus strand). Cytogenetic location: Xq21.1.
Variant type: single nucleotide variant.
Coding change: c.466A>G on transcript NM_001330574.2 (MANE Select); coding-DNA position 466, A replaced by G.
Protein change: p.Thr156Ala; replaces threonine 156 with alanine.
Molecular consequence: missense variant.
Genome position (GRCh38, 1-based): chrX:85,255,645, A>G. VCF-style: chrX-85255645-A-G. GRCh37 (hg19) VCF-style: chrX-84510651-A-G.
Other names: c.466A>G, p.Thr156Ala (NM_001375431.1, NM_001375432.1, NM_001375433.1 and 5 more transcripts); short protein forms T156A.
Identifiers: ClinVar variation 3765832 (VCV003765832.1).
Genomic context (GRCh38, chrX:85,255,645, plus strand): 5'-GGTCCTAATGGACACTTAGAACATGTGGTCCAAGATTGTGTTTCAGGAGTCGACTCTCCC[A>G]CAATGGTATCAGAGGAGGTTCTTGTAACTAATTCAGATACAGAAACTGTGATTCAAGCAG-3'
Protein context (NP_001317503.1, residues 146-166): QDCVSGVDSP[Thr156Ala]MVSEEVLVTN

ClinVar aggregate classification (germline): Uncertain significance (1 of 4 stars; one submission).

Submission:

Greenwood Genetic Center Diagnostic Laboratories, Greenwood Genetic Center
Classification: Uncertain significance. Last evaluated: 2024-12-18. Review status: criteria provided, single submitter. Criteria: ACMG Guidelines, 2015. Collection method: clinical testing. Allele origin: germline. Affected: yes.
Comment: PM2, BP4